The following is an entry in ClinVar:

NM_007294.3:c.-76154_4890del

Gene: BRCA1 (BRCA1 DNA repair associated; minus strand).
Variant type: Deletion.
Identifiers: ClinVar variation 3226178 (VCV003226178.1).

ClinVar aggregate classification (germline): Pathogenic (1 of 4 stars; one submission).

Conditions:
Hereditary cancer-predisposing syndrome. Also called: Neoplastic Syndromes, Hereditary; Tumor predisposition; Hereditary neoplastic syndrome; Hereditary Cancer Syndrome. Identifiers: Orphanet 140162, MedGen C0027672, MeSH D009386, MONDO:0015356.

Submission:

Ambry Genetics
Classification: Pathogenic for Hereditary cancer-predisposing syndrome. Last evaluated: 2023-10-10. Review status: criteria provided, single submitter. Criteria: Ambry Variant Classification Scheme 2023. Collection method: clinical testing. Allele origin: germline.
Comment: The c.-76154_4890del gross deletion spans from within the 5' untranslated region (UTR) through c.4890 within coding exon 14 in the BRCA1 gene. This deletion includes the initiation codon. Variations that impact the initiation codon are expected to result in either loss of translation initiation, N-terminal truncation, or cause a shift in the mRNA reading frame. In addition, a significant portion of the protein is impacted by this gross deletion (Ambry internal data). This variant is considered to be rare based on population cohorts in the Genome Aggregation Database Structural Variants (gnomAD SVs). Based on the supporting evidence, this alteration is interpreted as a disease-causing mutation.